The following is an entry in ClinVar:

NM_004168.4(SDHA):c.1777G>A (p.Ala593Thr)

Gene: SDHA (succinate dehydrogenase complex flavoprotein subunit A; plus strand). Cytogenetic location: 5p15.33.
Variant type: single nucleotide variant.
Coding change: c.1777G>A on transcript NM_004168.4 (MANE Select); coding-DNA position 1777, G replaced by A.
Protein change: p.Ala593Thr; replaces alanine 593 with threonine.
Molecular consequence: missense variant. On other transcripts: intron variant (1).
Genome position (GRCh38, 1-based): chr5:251,451, G>A. VCF-style: chr5-251451-G-A. GRCh37 (hg19) VCF-style: chr5-251566-G-A.
Other names: c.1633G>A, p.Ala545Thr (NM_001294332.2); c.1552-2942G>A (NM_001330758.2); c.1777G>A (NM_004168.2); short protein forms A545T, A593T.
Identifiers: ClinVar variation 943428 (VCV000943428.11), dbSNP rs1736827311, ClinGen allele CA359000395.

ClinVar aggregate classification (germline): Uncertain significance. Review status: criteria provided, multiple submitters, no conflicts (2 of 4 stars). 2 submissions from 2 submitters: Uncertain significance (2). Last evaluated 2025-01-19.

Conditions:
Hereditary cancer-predisposing syndrome. Also called: Hereditary Cancer Syndrome; Neoplastic Syndromes, Hereditary; Tumor predisposition; Hereditary neoplastic syndrome. Identifiers: Orphanet 140162, MedGen C0027672, MeSH D009386, MONDO:0015356.
Mitochondrial complex II deficiency, nuclear type 1. Also called: SUCCINATE CoQ REDUCTASE DEFICIENCY. Identifiers: Orphanet 3208, MedGen C5700310, MONDO:0100294, OMIM 252011.
Pheochromocytoma/paraganglioma syndrome 5. Also called: Paragangliomas 5; SDHA-Related Hereditary Paraganglioma-Pheochromocytoma Syndrome. Identifiers: Orphanet 29072, MedGen C3279992, MONDO:0013602, OMIM 614165.

Submissions (2):

Ambry Genetics
Classification: Uncertain significance for Hereditary cancer-predisposing syndrome. Last evaluated: 2025-01-19. Review status: criteria provided, single submitter. Criteria: Ambry Variant Classification Scheme 2023. Collection method: clinical testing. Allele origin: germline.
Comment: The p.A593T variant (also known as c.1777G>A), located in coding exon 13 of the SDHA gene, results from a G to A substitution at nucleotide position 1777. The alanine at codon 593 is replaced by threonine, an amino acid with similar properties. This amino acid position is conserved. In addition, the in silico prediction for this alteration is inconclusive. Based on the available evidence, the clinical significance of this variant remains unclear.

Labcorp Genetics (formerly Invitae), Labcorp
Classification: Uncertain significance for Pheochromocytoma/paraganglioma syndrome 5; Mitochondrial complex II deficiency, nuclear type 1. Last evaluated: 2019-07-25. Review status: criteria provided, single submitter. Criteria: Invitae Variant Classification Sherloc (09022015). Collection method: clinical testing. Allele origin: germline.
Comment: This sequence change replaces alanine with threonine at codon 593 of the SDHA protein (p.Ala593Thr). The alanine residue is highly conserved and there is a small physicochemical difference between alanine and threonine. This variant is not present in population databases (ExAC no frequency). This variant has not been reported in the literature in individuals with SDHA-related conditions. Algorithms developed to predict the effect of missense changes on protein structure and function (SIFT, PolyPhen-2, Align-GVGD) all suggest that this variant is likely to be tolerated, but these predictions have not been confirmed by published functional studies and their clinical significance is uncertain. In summary, the available evidence is currently insufficient to determine the role of this variant in disease. Therefore, it has been classified as a Variant of Uncertain Significance.